The following is an entry in ClinVar:

ClinVar aggregate classification (germline): Uncertain significance (1 of 4 stars; one submission).

Submission:

Labcorp Genetics (formerly Invitae), Labcorp
Classification: Uncertain significance. Last evaluated: 2024-09-06. Review status: criteria provided, single submitter. Criteria: Invitae Variant Classification Sherloc (09022015). Collection method: clinical testing. Allele origin: germline.
Comment: This sequence change replaces arginine, which is basic and polar, with lysine, which is basic and polar, at codon 591 of the AMER1 protein (p.Arg591Lys). This variant is present in population databases (no rsID available, gnomAD 0.01%), including at least one homozygous and/or hemizygous individual. This variant has not been reported in the literature in individuals affected with AMER1-related conditions. An algorithm developed to predict the effect of missense changes on protein structure and function (PolyPhen-2) suggests that this variant is likely to be tolerated. In summary, the available evidence is currently insufficient to determine the role of this variant in disease. Therefore, it has been classified as a Variant of Uncertain Significance.

NM_152424.4(AMER1):c.1772G>A (p.Arg591Lys)

Gene: AMER1 (APC membrane recruitment protein 1; minus strand). Cytogenetic location: Xq11.2.
Variant type: single nucleotide variant.
Coding change: c.1772G>A on transcript NM_152424.4 (MANE Select); coding-DNA position 1772, G replaced by A.
Protein change: p.Arg591Lys; replaces arginine 591 with lysine.
Molecular consequence: missense variant.
Genome position (GRCh38, 1-based): chrX:64,191,515, C>T on the plus strand (G>A on the coding strand, the complement: AMER1 is on the minus strand). VCF-style: chrX-64191515-C-T. GRCh37 (hg19) VCF-style: chrX-63411395-C-T.
Other names: short protein forms R591K.
Identifiers: ClinVar variation 3685346 (VCV003685346.2).